The following is an entry in ClinVar:

NM_001759.4(CCND2):c.838A>C (p.Thr280Pro)

Gene: CCND2 (cyclin D2; plus strand). Cytogenetic location: 12p13.32.
Variant type: single nucleotide variant.
Coding change: c.838A>C on transcript NM_001759.4 (MANE Select); coding-DNA position 838, A replaced by C.
Protein change: p.Thr280Pro; replaces threonine 280 with proline.
Molecular consequence: missense variant.
Genome position (GRCh38, 1-based): chr12:4,299,977, A>C. VCF-style: chr12-4299977-A-C. GRCh37 (hg19) VCF-style: chr12-4409143-A-C.
Other names: short protein forms T280P.
Identifiers: ClinVar variation 3254550 (VCV003254550.2), dbSNP rs587777618.

ClinVar aggregate classification (germline): Pathogenic/Likely pathogenic. Review status: criteria provided, multiple submitters, no conflicts (2 of 4 stars). 2 submissions from 2 submitters: Pathogenic (1); Likely pathogenic (1). Last evaluated 2025-12-30.

Conditions:
Megalencephaly-polymicrogyria-polydactyly-hydrocephalus syndrome 3 (MPPH3). Identifiers: Orphanet 83473, MedGen C4014742, MONDO:0014408, OMIM 615938.

Submissions (2):

Labcorp Genetics (formerly Invitae), Labcorp
Classification: Likely pathogenic. Last evaluated: 2025-12-30. Review status: criteria provided, single submitter. Criteria: Invitae Variant Classification Sherloc (09022015). Collection method: clinical testing. Allele origin: germline.
Comment: This sequence change replaces threonine, which is neutral and polar, with proline, which is neutral and non-polar, at codon 280 of the CCND2 protein (p.Thr280Pro). This variant is not present in population databases (gnomAD no frequency). This variant has not been reported in the literature in individuals affected with CCND2-related conditions. ClinVar contains an entry for this variant (Variation ID: 3254550). Invitae Evidence Modeling of protein sequence and biophysical properties (such as structural, functional, and spatial information, amino acid conservation, physicochemical variation, residue mobility, and thermodynamic stability) indicates that this missense variant is expected to disrupt CCND2 protein function with a positive predictive value of 95%. This variant disrupts the p.Thr280 amino acid residue in CCND2. Other variant(s) that disrupt this residue have been determined to be pathogenic (PMID: 24705253, 31056854). This suggests that this residue is clinically significant, and that variants that disrupt this residue are likely to be disease-causing. In summary, the currently available evidence indicates that the variant is pathogenic, but additional data are needed to prove that conclusively. Therefore, this variant has been classified as Likely Pathogenic.

Victorian Clinical Genetics Services, Murdoch Childrens Research Institute
Classification: Pathogenic for Megalencephaly-polymicrogyria-polydactyly-hydrocephalus syndrome 3. Last evaluated: 2023-07-17. Review status: criteria provided, single submitter. Criteria: ACMG Guidelines, 2015. Collection method: clinical testing. Allele origin: germline. Inheritance: Autosomal dominant inheritance. Affected: yes.
Comment: Based on the classification scheme VCGS_Germline_v1.3.4, this variant is classified as Pathogenic. Following criteria are met: 0101 - Gain of function is a known mechanism of disease in this gene and is associated with megalencephaly-polymicrogyria-polydactyly-hydrocephalus syndrome 3 (MIM#615938) (PMID: 24705253). (I) 0107 - This gene is associated with autosomal dominant disease. (I) 0200 - Variant is predicted to result in a missense amino acid change from threonine to proline. (I) 0251 - This variant is heterozygous. (I) 0301 - Variant is absent from gnomAD (both v2 and v3). (SP) 0309 - An alternative amino acid change at the same position has been observed in gnomAD (v2) (1 heterozygote, 0 homozygotes). (I) 0502 - Missense variant with conflicting in silico predictions and uninformative conservation. (I) 0602 - Variant is located in a hotspot region or cluster of pathogenic variants at the end of the cyclin C-terminal domain (DECIPHER). (SP) 0701 - Other missense variants comparable to the one identified in this case have very strong previous evidence for pathogenicity. Three alternative amino acid substitutions at the same position, p.(Thr280Ala), p.(Thr280Asn) and p.(Thr280Ile), have been classified as pathogenic or likely pathogenic by multiple clinical laboratories in ClinVar. (SP) 0807 - This variant has no previous evidence of pathogenicity. (I) 0905 - No published segregation evidence has been identified for this variant. (I) 1007 - No published functional evidence has been identified for this variant. (I) 1101 - Very strong and specific phenotype match for this individual. (SP) 1208 - Inheritance information for this variant is not currently available in this individual. (I) Legend: (SP) - Supporting pathogenic, (I) - Information, (SB) - Supporting benign

Literature cited by the submitters: PubMed 24705253 (cited by Labcorp Genetics (formerly Invitae), Labcorp and Victorian Clinical Genetics Services, Murdoch Childrens Research Institute); PubMed 31056854 (cited by Labcorp Genetics (formerly Invitae), Labcorp).